The following is an entry in ClinVar:

NM_001374504.1(TMPRSS6):c.308G>T (p.Arg103Leu)

Gene: TMPRSS6 (transmembrane serine protease 6; minus strand). Cytogenetic location: 22q12.3.
Variant type: single nucleotide variant.
Coding change: c.308G>T on transcript NM_001374504.1 (MANE Select); coding-DNA position 308, G replaced by T.
Protein change: p.Arg103Leu; replaces arginine 103 with leucine.
Molecular consequence: missense variant.
Genome position (GRCh38, 1-based): chr22:37,098,444, C>A on the plus strand (G>T on the coding strand, the complement: TMPRSS6 is on the minus strand). VCF-style: chr22-37098444-C-A. GRCh37 (hg19) VCF-style: chr22-37494484-C-A.
Other names: c.308G>T, p.Arg103Leu (NM_001289000.2, NM_001289001.2, NM_153609.4); short protein forms R103L.
Identifiers: ClinVar variation 1372708 (VCV001372708.6), dbSNP rs369875437, ClinGen allele CA10216121.

ClinVar aggregate classification (germline): Uncertain significance (1 of 4 stars; one submission).

Allele frequency attached by ClinVar (database versions not stated): TOPMed 0.00008; ESP Exome Variant Server 0.00015.
gnomAD v4.1: 72 of 1,613,796 alleles (0.0045%); highest among the groups gnomAD compares: Middle Eastern, 0.099%; no homozygotes.

Submission:

Labcorp Genetics (formerly Invitae), Labcorp
Classification: Uncertain significance. Last evaluated: 2021-10-20. Review status: criteria provided, single submitter. Criteria: Invitae Variant Classification Sherloc (09022015). Collection method: clinical testing. Allele origin: germline.
Comment: Algorithms developed to predict the effect of missense changes on protein structure and function are either unavailable or do not agree on the potential impact of this missense change (SIFT: "Tolerated"; PolyPhen-2: "Possibly Damaging"; Align-GVGD: "Class C0"). This sequence change replaces arginine with leucine at codon 112 of the TMPRSS6 protein (p.Arg112Leu). The arginine residue is highly conserved and there is a moderate physicochemical difference between arginine and leucine. This variant is present in population databases (rs369875437, ExAC 0.03%). This variant has not been reported in the literature in individuals affected with TMPRSS6-related conditions. In summary, the available evidence is currently insufficient to determine the role of this variant in disease. Therefore, it has been classified as a Variant of Uncertain Significance.